The following is an entry in ClinVar:

ClinVar aggregate classification (germline): Uncertain significance (1 of 4 stars; one submission).

Conditions:
Brugada syndrome 5 (BRGDA5). Identifiers: Orphanet 130, Orphanet 871, MedGen C2748541, MONDO:0013015, OMIM 612838.

Allele frequency attached by ClinVar (database versions not stated): gnomAD exomes below 0.00001.

Submission:

Labcorp Genetics (formerly Invitae), Labcorp
Classification: Uncertain significance for Brugada syndrome 5. Last evaluated: 2023-12-10. Review status: criteria provided, single submitter. Criteria: Invitae Variant Classification Sherloc (09022015). Collection method: clinical testing. Allele origin: germline.
Comment: This sequence change replaces glycine, which is neutral and non-polar, with serine, which is neutral and polar, at codon 117 of the SCN1B protein (p.Gly117Ser). This variant is not present in population databases (gnomAD no frequency). This variant has not been reported in the literature in individuals affected with SCN1B-related conditions. An algorithm developed to predict the effect of missense changes on protein structure and function (PolyPhen-2) suggests that this variant is likely to be disruptive. In summary, the available evidence is currently insufficient to determine the role of this variant in disease. Therefore, it has been classified as a Variant of Uncertain Significance.

NM_001037.5(SCN1B):c.349G>A (p.Gly117Ser)

Gene: SCN1B (sodium voltage-gated channel beta subunit 1; plus strand). Cytogenetic location: 19q13.11.
Variant type: single nucleotide variant.
Coding change: c.349G>A on transcript NM_001037.5 (MANE Select); coding-DNA position 349, G replaced by A.
Protein change: p.Gly117Ser; replaces glycine 117 with serine.
Molecular consequence: missense variant.
Genome position (GRCh38, 1-based): chr19:35,033,640, G>A. VCF-style: chr19-35033640-G-A. GRCh37 (hg19) VCF-style: chr19-35524544-G-A.
Other names: c.250G>A, p.Gly84Ser (NM_001321605.2); c.349G>A, p.Gly117Ser (NM_199037.5); short protein forms G117S, G84S.
Identifiers: ClinVar variation 2701983 (VCV002701983.3), dbSNP rs2514234551, ClinGen allele CA405328838.
Genomic context (GRCh38, chr19:35,033,640, plus strand): 5'-GGCACCAAAGACCTGCAGGATCTGTCTATCTTCATCACCAATGTCACCTACAACCACTCG[G>A]GCGACTACGAGTGCCACGTCTACCGCCTGCTCTTCTTCGAAAACTACGAGCACAACACCA-3'
Protein context (NP_001028.1, residues 107-127): FITNVTYNHS[Gly117Ser]DYECHVYRLL